The following is an entry in ClinVar:

ClinVar aggregate classification (germline): Uncertain significance (1 of 4 stars; one submission).

Conditions:
Cardiovascular phenotype. Identifiers: MedGen CN230736.

Submission:

Ambry Genetics
Classification: Uncertain significance for Cardiovascular phenotype. Last evaluated: 2021-07-12. Review status: criteria provided, single submitter. Criteria: Ambry Variant Classification Scheme 2023. Collection method: clinical testing. Allele origin: germline.
Comment: The p.K152R variant (also known as c.455A>G), located in coding exon 4 of the CSRP3 gene, results from an A to G substitution at nucleotide position 455. The lysine at codon 152 is replaced by arginine, an amino acid with highly similar properties. This amino acid position is conserved. In addition, the in silico prediction for this alteration is inconclusive. Since supporting evidence is limited at this time, the clinical significance of this alteration remains unclear.

NM_003476.5(CSRP3):c.455A>G (p.Lys152Arg)

Gene: CSRP3 (cysteine and glycine rich protein 3; minus strand). Cytogenetic location: 11p15.1.
Variant type: single nucleotide variant.
Coding change: c.455A>G on transcript NM_003476.5 (MANE Select); coding-DNA position 455, A replaced by G.
Protein change: p.Lys152Arg; replaces lysine 152 with arginine.
Molecular consequence: missense variant.
Genome position (GRCh38, 1-based): chr11:19,185,005, T>C on the plus strand (A>G on the coding strand, the complement: CSRP3 is on the minus strand). VCF-style: chr11-19185005-T-C. GRCh37 (hg19) VCF-style: chr11-19206552-T-C.
Other names: c.455A>G, p.Lys152Arg (NM_001127656.1); c.286A>G, p.Arg96Gly (NM_001369404.1); short protein forms K152R, R96G.
Identifiers: ClinVar variation 1741476 (VCV001741476.2), dbSNP rs2494218659, ClinGen allele CA379887722.